The following is an entry in ClinVar:

ClinVar aggregate classification (germline): Uncertain significance (1 of 4 stars; one submission).

Submission:

Labcorp Genetics (formerly Invitae), Labcorp
Classification: Uncertain significance. Last evaluated: 2025-10-08. Review status: criteria provided, single submitter. Criteria: Invitae Variant Classification Sherloc (09022015). Collection method: clinical testing. Allele origin: germline.
Comment: This sequence change replaces arginine, which is basic and polar, with leucine, which is neutral and non-polar, at codon 444 of the BRD4 protein (p.Arg444Leu). This variant is not present in population databases (gnomAD no frequency). This variant has not been reported in the literature in individuals affected with BRD4-related conditions. Invitae Evidence Modeling of protein sequence and biophysical properties (such as structural, functional, and spatial information, amino acid conservation, physicochemical variation, residue mobility, and thermodynamic stability) has been performed for this missense variant. However, the output from this modeling did not meet the statistical confidence thresholds required to predict the impact of this variant on BRD4 protein function. In summary, the available evidence is currently insufficient to determine the role of this variant in disease. Therefore, it has been classified as a Variant of Uncertain Significance.

NM_001379291.1(BRD4):c.1331G>T (p.Arg444Leu)

Gene: BRD4 (bromodomain containing 4; minus strand). Cytogenetic location: 19p13.12.
Variant type: single nucleotide variant.
Coding change: c.1331G>T on transcript NM_001379291.1 (MANE Select); coding-DNA position 1331, G replaced by T.
Protein change: p.Arg444Leu; replaces arginine 444 with leucine.
Molecular consequence: missense variant.
Genome position (GRCh38, 1-based): chr19:15,263,430, C>A on the plus strand (G>T on the coding strand, the complement: BRD4 is on the minus strand). VCF-style: chr19-15263430-C-A. GRCh37 (hg19) VCF-style: chr19-15374241-C-A.
Other names: c.1331G>T, p.Arg444Leu (NM_001330384.2, NM_001379292.1, NM_014299.3 and 1 more transcripts); short protein forms R444L.
Identifiers: ClinVar variation 4744762 (VCV004744762.1).